The following is an entry in ClinVar:

ClinVar aggregate classification (germline): Uncertain significance (1 of 4 stars; one submission).

Conditions:
Acyl-CoA oxidase deficiency. Also called: STRAIGHT-CHAIN ACYL-CoA OXIDASE DEFICIENCY; Pseudoneonatal adrenoleukodystrophy; Peroxisomal acyl-CoA oxidase deficiency. Identifiers: Orphanet 2971, MedGen C1849678, MONDO:0009919, OMIM 264470. Disease mechanism: loss of function.

Allele frequency attached by ClinVar (database versions not stated): gnomAD 0.00001; gnomAD exomes 0.00001; TOPMed 0.00001; ExAC 0.00003; 1000 Genomes Project 0.00020; 1000 Genomes Project 30x 0.00031.
gnomAD v4.1: 9 of 1,614,192 alleles (0.00056%); highest among the groups gnomAD compares: East Asian, 0.02%; no homozygotes.

Submission:

Labcorp Genetics (formerly Invitae), Labcorp
Classification: Uncertain significance for Acyl-CoA oxidase deficiency. Last evaluated: 2021-08-30. Review status: criteria provided, single submitter. Criteria: Invitae Variant Classification Sherloc (09022015). Collection method: clinical testing. Allele origin: germline.
Comment: This sequence change replaces aspartic acid with glycine at codon 522 of the ACOX1 protein (p.Asp522Gly). The aspartic acid residue is moderately conserved and there is a moderate physicochemical difference between aspartic acid and glycine. This variant is present in population databases (rs150349294, ExAC 0.05%). This variant has not been reported in the literature in individuals affected with ACOX1-related conditions. Algorithms developed to predict the effect of missense changes on protein structure and function (SIFT, PolyPhen-2, Align-GVGD) all suggest that this variant is likely to be tolerated. In summary, the available evidence is currently insufficient to determine the role of this variant in disease. Therefore, it has been classified as a Variant of Uncertain Significance.

NM_004035.7(ACOX1):c.1565A>G (p.Asp522Gly)

Gene: ACOX1 (acyl-CoA oxidase 1; minus strand). Cytogenetic location: 17q25.1.
Variant type: single nucleotide variant.
Coding change: c.1565A>G on transcript NM_004035.7 (MANE Select); coding-DNA position 1565, A replaced by G.
Protein change: p.Asp522Gly; replaces aspartic acid 522 with glycine.
Molecular consequence: missense variant.
Genome position (GRCh38, 1-based): chr17:75,949,514, T>C on the plus strand (A>G on the coding strand, the complement: ACOX1 is on the minus strand). VCF-style: chr17-75949514-T-C. GRCh37 (hg19) VCF-style: chr17-73945595-T-C.
Other names: c.1451A>G, p.Asp484Gly (NM_001185039.2); c.1565A>G, p.Asp522Gly (NM_007292.6); short protein forms D522G, D484G.
Identifiers: ClinVar variation 2144405 (VCV002144405.1), dbSNP rs150349294, ClinGen allele CA8776735.